The following is an entry in ClinVar:

ClinVar aggregate classification (germline): Likely benign (1 of 4 stars; one submission).

gnomAD v4.1: 17 of 1,551,576 alleles (0.0011%); highest among the groups gnomAD compares: South Asian, 0.0012%; no homozygotes.

Submission:

CeGaT Center for Human Genetics Tuebingen
Classification: Likely benign. Last evaluated: 2026-04-01. Review status: criteria provided, single submitter. Criteria: CeGaT Center For Human Genetics Tuebingen Variant Classification Criteria Version 2. Collection method: clinical testing. Allele origin: germline. Affected: yes. Observed: 2 variant alleles.
Comment: TENM4: BP4

NM_001098816.3(TENM4):c.814G>A (p.Gly272Ser)

Gene: TENM4 (teneurin transmembrane protein 4; minus strand). Cytogenetic location: 11q14.1.
Variant type: single nucleotide variant.
Coding change: c.814G>A on transcript NM_001098816.3 (MANE Select); coding-DNA position 814, G replaced by A.
Protein change: p.Gly272Ser; replaces glycine 272 with serine.
Molecular consequence: missense variant.
Genome position (GRCh38, 1-based): chr11:78,891,272, C>T on the plus strand (G>A on the coding strand, the complement: TENM4 is on the minus strand). VCF-style: chr11-78891272-C-T. GRCh37 (hg19) VCF-style: chr11-78602317-C-T.
Other names: short protein forms G272S.
Identifiers: ClinVar variation 4280850 (VCV004280850.7).